The following is an entry in ClinVar:

NM_199355.4(ADAMTS18):c.1615G>A (p.Asp539Asn)

Gene: ADAMTS18 (ADAM metallopeptidase with thrombospondin type 1 motif 18; minus strand). Cytogenetic location: 16q23.1.
Variant type: single nucleotide variant.
Coding change: c.1615G>A on transcript NM_199355.4 (MANE Select); coding-DNA position 1615, G replaced by A.
Protein change: p.Asp539Asn; replaces aspartic acid 539 with asparagine.
Molecular consequence: missense variant.
Genome position (GRCh38, 1-based): chr16:77,341,799, C>T on the plus strand (G>A on the coding strand, the complement: ADAMTS18 is on the minus strand). VCF-style: chr16-77341799-C-T. GRCh37 (hg19) VCF-style: chr16-77375696-C-T.
Other names: c.1099G>A, p.Asp367Asn (NM_001326358.2); short protein forms D539N, D367N.
Identifiers: ClinVar variation 1406686 (VCV001406686.8), dbSNP rs1199058022, ClinGen allele CA396833268.

ClinVar aggregate classification (germline): Uncertain significance (1 of 4 stars; one submission).

Allele frequency attached by ClinVar (database versions not stated): gnomAD exomes below 0.00001.
gnomAD v4.1: 2 of 1,606,912 alleles (0.00012%); highest among the groups gnomAD compares: Non-Finnish European, 0.00017%; no homozygotes.

Submission:

Labcorp Genetics (formerly Invitae), Labcorp
Classification: Uncertain significance. Last evaluated: 2024-02-24. Review status: criteria provided, single submitter. Criteria: Invitae Variant Classification Sherloc (09022015). Collection method: clinical testing. Allele origin: germline.
Comment: This sequence change replaces aspartic acid, which is acidic and polar, with asparagine, which is neutral and polar, at codon 539 of the ADAMTS18 protein (p.Asp539Asn). This variant is present in population databases (no rsID available, gnomAD 0.0009%). This variant has not been reported in the literature in individuals affected with ADAMTS18-related conditions. ClinVar contains an entry for this variant (Variation ID: 1406686). An algorithm developed to predict the effect of missense changes on protein structure and function (PolyPhen-2) suggests that this variant is likely to be disruptive. In summary, the available evidence is currently insufficient to determine the role of this variant in disease. Therefore, it has been classified as a Variant of Uncertain Significance.